The following is an entry in ClinVar:

NM_031443.4(CCM2):c.976C>T (p.Arg326Cys)

Gene: CCM2 (CCM2 scaffold protein; plus strand). Cytogenetic location: 7p13.
Variant type: single nucleotide variant.
Coding change: c.976C>T on transcript NM_031443.4 (MANE Select); coding-DNA position 976, C replaced by T.
Protein change: p.Arg326Cys; replaces arginine 326 with cysteine.
Molecular consequence: missense variant. On other transcripts: non-coding transcript variant (1).
Genome position (GRCh38, 1-based): chr7:45,074,330, C>T. VCF-style: chr7-45074330-C-T. GRCh37 (hg19) VCF-style: chr7-45113929-C-T.
Other names: c.1039C>T, p.Arg347Cys (NM_001029835.2); c.802C>T, p.Arg268Cys (NM_001167934.2); c.703C>T, p.Arg235Cys (NM_001167935.2); c.1099C>T, p.Arg367Cys (NM_001363458.2); c.925C>T, p.Arg309Cys (NM_001363459.2); short protein forms R235C, R268C, R309C, R326C, R347C, R367C.
Identifiers: ClinVar variation 2503354 (VCV002503354.18), dbSNP rs2486175472, ClinGen allele CA367431325.
Genomic context (GRCh38, chr7:45,074,330, plus strand): 5'-CTGCGCACCAAGCTGTCATCACAGGAGATCCAGCAGTTTGCAGCACTGCTGCACGAGTAC[C>T]GCAATGGGGCCTCTATCCACGAGTTCTGCATCAACCTGCGGCAGCTCTACGGGGACAGCC-3'
Protein context (NP_113631.1, residues 316-336): QQFAALLHEY[Arg326Cys]NGASIHEFCI

ClinVar aggregate classification (germline): Uncertain significance. Review status: criteria provided, multiple submitters, no conflicts (2 of 4 stars). 3 submissions from 3 submitters: Uncertain significance (3). Last evaluated 2025-09-21.

Conditions:
Cerebral cavernous malformation 2. Also called: Familial Cerebral Cavernous Malformation 2. Identifiers: Orphanet 221061, MedGen C1864041, MONDO:0011304, OMIM 603284.

Allele frequency attached by ClinVar (database versions not stated): gnomAD exomes below 0.00001.
gnomAD v4.1: 1 of 1,613,788 alleles (0.000062%); highest among the groups gnomAD compares: African/African-American, 0.0013%; no homozygotes.

Submissions (3):

Labcorp Genetics (formerly Invitae), Labcorp
Classification: Uncertain significance for Cerebral cavernous malformation 2. Last evaluated: 2025-09-21. Review status: criteria provided, single submitter. Criteria: Invitae Variant Classification Sherloc (09022015). Collection method: clinical testing. Allele origin: germline.
Comment: This sequence change replaces arginine, which is basic and polar, with cysteine, which is neutral and slightly polar, at codon 326 of the CCM2 protein (p.Arg326Cys). This variant is not present in population databases (gnomAD no frequency). This variant has not been reported in the literature in individuals affected with CCM2-related conditions. ClinVar contains an entry for this variant (Variation ID: 2503354). Invitae Evidence Modeling of protein sequence and biophysical properties (such as structural, functional, and spatial information, amino acid conservation, physicochemical variation, residue mobility, and thermodynamic stability) indicates that this missense variant is not expected to disrupt CCM2 protein function with a negative predictive value of 80%. In summary, the available evidence is currently insufficient to determine the role of this variant in disease. Therefore, it has been classified as a Variant of Uncertain Significance.

CeGaT Center for Human Genetics Tuebingen
Classification: Uncertain significance. Last evaluated: 2024-08-01. Review status: criteria provided, single submitter. Criteria: CeGaT Center For Human Genetics Tuebingen Variant Classification Criteria Version 2. Collection method: clinical testing. Allele origin: germline. Affected: yes. Observed: 1 variant allele.
Comment: CCM2: PM2

GeneDx
Classification: Uncertain significance. Last evaluated: 2022-11-25. Review status: criteria provided, single submitter. Criteria: GeneDx Variant Classification Process June 2021. Collection method: clinical testing. Allele origin: germline. Affected: yes.
Comment: Not observed at significant frequency in large population cohorts (gnomAD); In silico analysis supports that this missense variant has a deleterious effect on protein structure/function; Has not been previously published as pathogenic or benign to our knowledge